The following is an entry in ClinVar:

NM_172201.2(KCNE2):c.36A>C (p.Glu12Asp)

Genes: KCNE2 (potassium voltage-gated channel subfamily E regulatory subunit 2; plus strand), LOC105372791 (uncharacterized LOC105372791; minus strand). Cytogenetic location: 21q22.11.
Variant type: single nucleotide variant.
Coding change: c.36A>C on transcript NM_172201.2 (MANE Select); coding-DNA position 36, A replaced by C.
Protein change: p.Glu12Asp; replaces glutamic acid 12 with aspartic acid.
Molecular consequence: missense variant. On other transcripts: non-coding transcript variant (2).
Genome position (GRCh38, 1-based): chr21:34,370,514, A>C. VCF-style: chr21-34370514-A-C. GRCh37 (hg19) VCF-style: chr21-35742813-A-C.
Other names: short protein forms E12D.
Identifiers: ClinVar variation 4709083 (VCV004709083.1).

ClinVar aggregate classification (germline): Uncertain significance (1 of 4 stars; one submission).

Conditions:
Long QT syndrome 6 (LQT6). Identifiers: Orphanet 101016, Orphanet 768, MedGen C3150953, MONDO:0013370, OMIM 613693.

gnomAD v4.1: 8 of 1,614,196 alleles (0.0005%); highest among the groups gnomAD compares: African/African-American, 0.0013%; no homozygotes.

Submission:

Labcorp Genetics (formerly Invitae), Labcorp
Classification: Uncertain significance for Long QT syndrome 6. Last evaluated: 2025-02-16. Review status: criteria provided, single submitter. Criteria: Invitae Variant Classification Sherloc (09022015). Collection method: clinical testing. Allele origin: germline.
Comment: This sequence change replaces glutamic acid, which is acidic and polar, with aspartic acid, which is acidic and polar, at codon 12 of the KCNE2 protein (p.Glu12Asp). This variant is present in population databases (rs754523450, gnomAD 0.003%). This variant has not been reported in the literature in individuals affected with KCNE2-related conditions. An algorithm developed to predict the effect of missense changes on protein structure and function (PolyPhen-2) suggests that this variant is likely to be disruptive. In summary, the available evidence is currently insufficient to determine the role of this variant in disease. Therefore, it has been classified as a Variant of Uncertain Significance.